The following is an entry in ClinVar:

NM_000083.3(CLCN1):c.2596-9G>T

Gene: CLCN1 (chloride voltage-gated channel 1; plus strand). Cytogenetic location: 7q34.
Variant type: single nucleotide variant.
Coding change: c.2596-9G>T on transcript NM_000083.3 (MANE Select); 9 bases into the intron before coding-DNA position 2596, G replaced by T.
Molecular consequence: intron variant.
Genome position (GRCh38, 1-based): chr7:143,351,585, G>T. VCF-style: chr7-143351585-G-T. GRCh37 (hg19) VCF-style: chr7-143048678-G-T.
Identifiers: ClinVar variation 704998 (VCV000704998.13), dbSNP rs200308662, ClinGen allele CA4537750.

ClinVar aggregate classification (germline): Likely benign. Review status: criteria provided, multiple submitters, no conflicts (2 of 4 stars). 3 submissions from 3 submitters: Likely benign (3). Last evaluated 2025-11-05.

Conditions:
Congenital myotonia, autosomal dominant form (THD). Also called: THOMSEN DISEASE; Myotonia congenita autosomal dominant. Identifiers: Orphanet 614, MedGen C2936781, MONDO:0008055, OMIM 160800.
Congenital myotonia, autosomal recessive form. Also called: BECKER DISEASE; Becker Generalized Myotonia; myotonia congenita, autosomal recessive. Identifiers: Orphanet 614, MedGen C0751360, MONDO:0009715, OMIM 255700.

Allele frequency attached by ClinVar (database versions not stated): ExAC 0.00003; gnomAD 0.00010; ESP Exome Variant Server 0.00023; 1000 Genomes Project 0.00040; 1000 Genomes Project 30x 0.00062.
gnomAD v4.1: 41 of 1,613,412 alleles (0.0025%); highest among the groups gnomAD compares: African/African-American, 0.053%; no homozygotes.

Submissions (3):

Labcorp Genetics (formerly Invitae), Labcorp
Classification: Likely benign for Congenital myotonia, autosomal recessive form; Congenital myotonia, autosomal dominant form. Last evaluated: 2025-11-05. Review status: criteria provided, single submitter. Criteria: Invitae Variant Classification Sherloc (09022015). Collection method: clinical testing. Allele origin: germline.

Athena Diagnostics
Classification: Likely benign. Last evaluated: 2025-07-11. Review status: criteria provided, single submitter. Criteria: Athena Diagnostics Criteria. Collection method: clinical testing. Allele origin: unknown.
Comment: Computational tools yielded predictions that this variant is unlikely to have an effect on normal RNA splicing. This nucleotide position exhibits low evolutionary conservation.

GeneDx
Classification: Likely benign. Last evaluated: 2021-12-27. Review status: criteria provided, single submitter. Criteria: GeneDx Variant Classification Process June 2021. Collection method: clinical testing. Allele origin: germline. Affected: yes.
Comment: In silico analysis supports that this variant does not alter splicing; Nucleotide substitution has no predicted effect on splicing and is not conserved across species; Has not been previously published as pathogenic or benign to our knowledge